The following is an entry in ClinVar:

NM_001252024.2(TRPM1):c.2657T>A (p.Val886Asp)

Genes: TRPM1 (transient receptor potential cation channel subfamily M member 1; minus strand), TRPM1-AS1 (TRPM1 antisense RNA 1; plus strand). Cytogenetic location: 15q13.3.
Variant type: single nucleotide variant.
Coding change: c.2657T>A on transcript NM_001252024.2 (MANE Select); coding-DNA position 2657, T replaced by A.
Protein change: p.Val886Asp; replaces valine 886 with aspartic acid.
Molecular consequence: missense variant.
Genome position (GRCh38, 1-based): chr15:31,035,589, A>T on the plus strand (T>A on the coding strand, the complement: TRPM1 is on the minus strand). VCF-style: chr15-31035589-A-T. GRCh37 (hg19) VCF-style: chr15-31327792-A-T.
Other names: c.2591T>A, p.Val864Asp (NM_002420.6); c.2708T>A, p.Val903Asp (NM_001252020.2); short protein forms V886D, V903D, V864D.
Identifiers: ClinVar variation 1391472 (VCV001391472.6), dbSNP rs368621506, ClinGen allele CA7452114.

ClinVar aggregate classification (germline): Uncertain significance. Review status: criteria provided, multiple submitters, no conflicts (2 of 4 stars). 2 submissions from 2 submitters: Uncertain significance (2). Last evaluated 2023-08-30.

Allele frequency attached by ClinVar (database versions not stated): ExAC 0.00002; gnomAD 0.00002 and 0.00003; gnomAD exomes 0.00002 and 0.00005; ESP Exome Variant Server 0.00008.
gnomAD v4.1: 76 of 1,614,090 alleles (0.0047%); highest among the groups gnomAD compares: Non-Finnish European, 0.0064%; no homozygotes.

Submissions (2):

Labcorp Genetics (formerly Invitae), Labcorp
Classification: Uncertain significance. Last evaluated: 2023-08-30. Review status: criteria provided, single submitter. Criteria: Invitae Variant Classification Sherloc (09022015). Collection method: clinical testing. Allele origin: germline.
Comment: This sequence change replaces valine, which is neutral and non-polar, with aspartic acid, which is acidic and polar, at codon 864 of the TRPM1 protein (p.Val864Asp). This variant is present in population databases (rs368621506, gnomAD 0.004%). This missense change has been observed in individual(s) with clinical features consistent with night blindness (PMID: 35633130). This variant is also known as c.2657 T>A (p.Val886Asp). ClinVar contains an entry for this variant (Variation ID: 1391472). Advanced modeling of protein sequence and biophysical properties (such as structural, functional, and spatial information, amino acid conservation, physicochemical variation, residue mobility, and thermodynamic stability) has been performed at Invitae for this missense variant, however the output from this modeling did not meet the statistical confidence thresholds required to predict the impact of this variant on TRPM1 protein function. In summary, the available evidence is currently insufficient to determine the role of this variant in disease. Therefore, it has been classified as a Variant of Uncertain Significance.

Blueprint Genetics
Classification: Uncertain significance. Last evaluated: 2021-10-21. Review status: criteria provided, single submitter. Criteria: ACMG Guidelines, 2015. Collection method: clinical testing. Allele origin: germline.

Literature cited by the submitters: PubMed 35633130 (cited by Labcorp Genetics (formerly Invitae), Labcorp).